The following is an entry in ClinVar:

ClinVar aggregate classification (germline): Conflicting classifications of pathogenicity. Review status: criteria provided, conflicting classifications (1 of 4 stars). 8 submissions from 8 submitters: Uncertain significance (1); Likely benign (5). 2 of the submissions do not count toward it. Last evaluated 2026-01-18.

Conditions:
Alstrom syndrome (ALMS). Identifiers: Orphanet 64, MedGen C0268425, MONDO:0008763, OMIM 203800.
Cardiovascular phenotype. Identifiers: MedGen CN230736.

Allele frequency attached by ClinVar (database versions not stated): ExAC 0.00002; gnomAD 0.00003 and 0.00006; TOPMed 0.00003; gnomAD exomes 0.00005; 1000 Genomes Project 30x 0.00016; 1000 Genomes Project 0.00020.
gnomAD v4.1: 69 of 1,614,168 alleles (0.0043%); highest among the groups gnomAD compares: Middle Eastern, 0.099%; no homozygotes.

Submissions (8):

Labcorp Genetics (formerly Invitae), Labcorp
Classification: Likely benign for Alstrom syndrome. Last evaluated: 2026-01-18. Review status: criteria provided, single submitter. Criteria: Invitae Variant Classification Sherloc (09022015). Collection method: clinical testing. Allele origin: germline.

Blueprint Genetics
Classification: Likely benign. Last evaluated: 2024-10-31. Review status: criteria provided, single submitter. Criteria: ACMG Guidelines, 2015. Collection method: clinical testing. Allele origin: germline.

CeGaT Center for Human Genetics Tuebingen
Classification: Likely benign. Last evaluated: 2024-05-01. Review status: criteria provided, single submitter. Criteria: CeGaT Center For Human Genetics Tuebingen Variant Classification Criteria Version 2. Collection method: clinical testing. Allele origin: germline. Affected: yes. Observed: 2 variant alleles.
Comment: ALMS1: BP4, BP7

Genome-Nilou Lab
Classification: Uncertain significance for Alstrom syndrome. Last evaluated: 2021-07-14. Review status: criteria provided, single submitter. Criteria: ACMG Guidelines, 2015. Collection method: clinical testing. Allele origin: germline. Affected: no.

Ambry Genetics
Classification: Likely benign for Cardiovascular phenotype. Last evaluated: 2020-11-22. Review status: criteria provided, single submitter. Criteria: Ambry Variant Classification Scheme 2023. Collection method: clinical testing. Allele origin: germline.

GeneDx
Classification: Likely benign. Last evaluated: 2018-11-30. Review status: criteria provided, single submitter. Criteria: GeneDx Variant Classification Process June 2021. Collection method: clinical testing. Allele origin: germline. Affected: yes.

Natera, Inc.
Classification: Likely benign for Alstrom syndrome. Last evaluated: 2020-09-16. Review status: no assertion criteria provided. Collection method: clinical testing. Allele origin: germline. Not counted in ClinVar's aggregate classification.

Counsyl
Classification: Uncertain significance for Alstrom syndrome. Last evaluated: 2017-01-31. Review status: no assertion criteria provided. Collection method: clinical testing. Allele origin: unknown. Not counted in ClinVar's aggregate classification.

NM_001378454.1(ALMS1):c.12198G>A (p.Arg4066=)

Genes: ALMS1 (ALMS1 centrosome and basal body associated protein; plus strand), LOC126806252 (BRD4-independent group 4 enhancer GRCh37_chr2:73828496-73829695; plus strand). Cytogenetic location: 2p13.1.
Variant type: single nucleotide variant.
Coding change: c.12198G>A on transcript NM_001378454.1 (MANE Select); coding-DNA position 12198, G replaced by A.
Protein change: p.Arg4066=; no amino-acid change (arginine 4066 retained).
Molecular consequence: synonymous variant.
Genome position (GRCh38, 1-based): chr2:73,602,268, G>A. VCF-style: chr2-73602268-G-A. GRCh37 (hg19) VCF-style: chr2-73829395-G-A.
Other names: c.12201G>A, p.Arg4067= (NM_015120.4).
Identifiers: ClinVar variation 550031 (VCV000550031.48), dbSNP rs199603690, ClinGen allele CA1715478.